The following is an entry in ClinVar:

NM_001290060.2(SEMA3B):c.1412C>T (p.Ala471Val)

Gene: SEMA3B (semaphorin 3B; plus strand). Cytogenetic location: 3p21.31.
Variant type: single nucleotide variant.
Coding change: c.1412C>T on transcript NM_001290060.2 (MANE Select); coding-DNA position 1412, C replaced by T.
Protein change: p.Ala471Val; replaces alanine 471 with valine.
Molecular consequence: missense variant. On other transcripts: non-coding transcript variant (1).
Genome position (GRCh38, 1-based): chr3:50,274,897, C>T. VCF-style: chr3-50274897-C-T. GRCh37 (hg19) VCF-style: chr3-50312328-C-T.
Other names: c.1409C>T, p.Ala470Val (NM_001005914.3); c.1427C>T, p.Ala476Val (NM_001290061.1); c.383C>T, p.Ala128Val (NM_001290062.2, NM_001290063.2); c.1412C>T, p.Ala471Val (NM_004636.4); short protein forms A128V, A470V, A471V, A476V.
Identifiers: ClinVar variation 3349547 (VCV003349547.1).

ClinVar aggregate classification (germline): Uncertain significance (0 of 4 stars; one submission).

Conditions:
SEMA3B-related disorder. Also called: SEMA3B-related condition.

gnomAD v4.1: 1 of 1,611,132 alleles (0.000062%); highest among the groups gnomAD compares: Non-Finnish European, 0.000085%; no homozygotes.

Submission:

PreventionGenetics, part of Exact Sciences
Classification: Uncertain significance for SEMA3B-related condition. Last evaluated: 2024-08-28. Review status: no assertion criteria provided. Collection method: clinical testing. Allele origin: germline.
Comment: The SEMA3B c.1427C>T variant is predicted to result in the amino acid substitution p.Ala476Val. To our knowledge, this variant has not been reported in the literature or in a large population database, indicating this variant is rare. At this time, the clinical significance of this variant is uncertain due to the absence of conclusive functional and genetic evidence.